The following is an entry in ClinVar:

NM_002485.5(NBN):c.181G>A (p.Asp61Asn)

Gene: NBN (nibrin; minus strand). Cytogenetic location: 8q21.3.
Variant type: single nucleotide variant.
Coding change: c.181G>A on transcript NM_002485.5 (MANE Select); coding-DNA position 181, G replaced by A.
Protein change: p.Asp61Asn; replaces aspartic acid 61 with asparagine.
Molecular consequence: missense variant. On other transcripts: 5 prime UTR variant (1).
Genome position (GRCh38, 1-based): chr8:89,981,514, C>T on the plus strand (G>A on the coding strand, the complement: NBN is on the minus strand). VCF-style: chr8-89981514-C-T. GRCh37 (hg19) VCF-style: chr8-90993742-C-T.
Other names: c.-66G>A (NM_001024688.3); short protein forms D61N.
Identifiers: ClinVar variation 2910220 (VCV002910220.4), dbSNP rs1812067648, ClinGen allele CA371662626.

ClinVar aggregate classification (germline): Uncertain significance. Review status: criteria provided, multiple submitters, no conflicts (2 of 4 stars). 2 submissions from 2 submitters: Uncertain significance (2). Last evaluated 2025-02-04.

Conditions:
Microcephaly, normal intelligence and immunodeficiency (NBS). Also called: IMMUNODEFICIENCY, MICROCEPHALY, AND CHROMOSOMAL INSTABILITY; Ataxia telangiectasia variant V1; SEEMANOVA SYNDROME II; Immunodeficiency, microcephaly with normal intelligence; Nijmegen breakage syndrome; Microcephaly with normal intelligence immunodeficiency and lymphoreticular malignancies. Identifiers: Orphanet 647, MedGen C0398791, MONDO:0009623, OMIM 251260.

Submissions (2):

Women's Health and Genetics/Laboratory Corporation of America, LabCorp
Classification: Uncertain significance. Last evaluated: 2025-02-04. Review status: criteria provided, single submitter. Criteria: LabCorp Variant Classification Summary - May 2015. Collection method: clinical testing. Allele origin: germline.
Comment: Variant summary: NBN c.181G>A (p.Asp61Asn) results in a conservative amino acid change located in the SMAD/FHA domain of the encoded protein sequence. Five of five in-silico tools predict a benign effect of the variant on protein function. The variant was absent in 251118 control chromosomes. The available data on variant occurrences in the general population are insufficient to allow any conclusion about variant significance. To our knowledge, c.181G>A has not been reported in the literature in individuals affected with Nijmegen Breakage Syndrome and no experimental evidence demonstrating an impact on protein function has been reported. The following publication has been ascertained in the context of this evaluation (PMID: 30287823). ClinVar contains an entry for this variant (Variation ID: 2910220). Based on the evidence outlined above, the variant was classified as uncertain significance.

Labcorp Genetics (formerly Invitae), Labcorp
Classification: Uncertain significance for Microcephaly, normal intelligence and immunodeficiency. Last evaluated: 2023-06-02. Review status: criteria provided, single submitter. Criteria: Invitae Variant Classification Sherloc (09022015). Collection method: clinical testing. Allele origin: germline.
Comment: Algorithms developed to predict the effect of missense changes on protein structure and function output the following: SIFT: "Not Available"; PolyPhen-2: "Benign"; Align-GVGD: "Not Available". The asparagine amino acid residue is found in multiple mammalian species, which suggests that this missense change does not adversely affect protein function. This variant has not been reported in the literature in individuals affected with NBN-related conditions. This variant is not present in population databases (gnomAD no frequency). This sequence change replaces aspartic acid, which is acidic and polar, with asparagine, which is neutral and polar, at codon 61 of the NBN protein (p.Asp61Asn). In summary, the available evidence is currently insufficient to determine the role of this variant in disease. Therefore, it has been classified as a Variant of Uncertain Significance.

Literature cited by the submitters: PubMed 30287823 (cited by Women's Health and Genetics/Laboratory Corporation of America, LabCorp).